The following is an entry in ClinVar:

NM_006766.5(KAT6A):c.824C>T (p.Ala275Val)

Gene: KAT6A (lysine acetyltransferase 6A; minus strand). Cytogenetic location: 8p11.21.
Variant type: single nucleotide variant.
Coding change: c.824C>T on transcript NM_006766.5 (MANE Select); coding-DNA position 824, C replaced by T.
Protein change: p.Ala275Val; replaces alanine 275 with valine.
Molecular consequence: missense variant.
Genome position (GRCh38, 1-based): chr8:41,981,840, G>A on the plus strand (C>T on the coding strand, the complement: KAT6A is on the minus strand). VCF-style: chr8-41981840-G-A. GRCh37 (hg19) VCF-style: chr8-41839358-G-A.
Other names: c.824C>T, p.Ala275Val (NM_001305878.2); short protein forms A275V.
Identifiers: ClinVar variation 1310917 (VCV001310917.7), dbSNP rs1220943324, ClinGen allele CA371173796.

ClinVar aggregate classification (germline): Uncertain significance. Review status: criteria provided, multiple submitters, no conflicts (2 of 4 stars). 3 submissions from 3 submitters: Uncertain significance (3). Last evaluated 2025-08-04.

Conditions:
Autosomal dominant intellectual disability-craniofacial anomalies-cardiac defects syndrome (ARTHS). Also called: KAT6A syndrome; Mental retardation, autosomal dominant 32; Arboleda-Tham syndrome. Identifiers: Orphanet 457193, MedGen C4225396, MONDO:0014558, OMIM 616268.

Allele frequency attached by ClinVar (database versions not stated): gnomAD exomes below 0.00001; TOPMed 0.00001.
gnomAD v4.1: 5 of 1,595,990 alleles (0.00031%); highest among the groups gnomAD compares: African/African-American, 0.0013%; no homozygotes.

Submissions (3):

Labcorp Genetics (formerly Invitae), Labcorp
Classification: Uncertain significance. Last evaluated: 2025-08-04. Review status: criteria provided, single submitter. Criteria: Invitae Variant Classification Sherloc (09022015). Collection method: clinical testing. Allele origin: germline.
Comment: This sequence change replaces alanine, which is neutral and non-polar, with valine, which is neutral and non-polar, at codon 275 of the KAT6A protein (p.Ala275Val). This variant is present in population databases (no rsID available, gnomAD 0.0009%). This variant has not been reported in the literature in individuals affected with KAT6A-related conditions. ClinVar contains an entry for this variant (Variation ID: 1310917). Invitae Evidence Modeling of protein sequence and biophysical properties (such as structural, functional, and spatial information, amino acid conservation, physicochemical variation, residue mobility, and thermodynamic stability) indicates that this missense variant is not expected to disrupt KAT6A protein function with a negative predictive value of 95%. In summary, the available evidence is currently insufficient to determine the role of this variant in disease. Therefore, it has been classified as a Variant of Uncertain Significance.

ARUP Laboratories, Molecular Genetics and Genomics, ARUP Laboratories
Classification: Uncertain significance for Autosomal dominant intellectual disability-craniofacial anomalies-cardiac defects syndrome. Last evaluated: 2023-12-18. Review status: criteria provided, single submitter. Criteria: ARUP Molecular Germline Variant Investigation Process 2024. Collection method: clinical testing. Allele origin: germline.

GeneDx
Classification: Uncertain significance. Last evaluated: 2019-12-12. Review status: criteria provided, single submitter. Criteria: GeneDx Variant Classification Process June 2021. Collection method: clinical testing. Allele origin: germline. Affected: yes.
Comment: In silico analysis, which includes protein predictors and evolutionary conservation, supports a deleterious effect; Has not been previously published as pathogenic or benign to our knowledge